The following is an entry in ClinVar:

ClinVar aggregate classification (germline): Uncertain significance (1 of 4 stars; one submission).

Conditions:
RASopathy. Also called: Noonan spectrum disorder; rasopathies. Identifiers: Orphanet 536391, MedGen C5555857, MONDO:0021060.

Submission:

Labcorp Genetics (formerly Invitae), Labcorp
Classification: Uncertain significance for RASopathy. Last evaluated: 2022-05-20. Review status: criteria provided, single submitter. Criteria: Invitae Variant Classification Sherloc (09022015). Collection method: clinical testing. Allele origin: germline.
Comment: In summary, the available evidence is currently insufficient to determine the role of this variant in disease. Therefore, it has been classified as a Variant of Uncertain Significance. Algorithms developed to predict the effect of missense changes on protein structure and function are either unavailable or do not agree on the potential impact of this missense change (SIFT: "Deleterious"; PolyPhen-2: "Probably Damaging"; Align-GVGD: "Class C0"). This variant has not been reported in the literature in individuals affected with SOS1-related conditions. This variant is not present in population databases (gnomAD no frequency). This sequence change replaces histidine, which is basic and polar, with proline, which is neutral and non-polar, at codon 1316 of the SOS1 protein (p.His1316Pro).

NM_005633.4(SOS1):c.3947A>C (p.His1316Pro)

Gene: SOS1 (SOS Ras/Rac guanine nucleotide exchange factor 1; minus strand). Cytogenetic location: 2p22.1.
Variant type: single nucleotide variant.
Coding change: c.3947A>C on transcript NM_005633.4 (MANE Select); coding-DNA position 3947, A replaced by C.
Protein change: p.His1316Pro; replaces histidine 1316 with proline.
Molecular consequence: missense variant.
Genome position (GRCh38, 1-based): chr2:38,985,879, T>G on the plus strand (A>C on the coding strand, the complement: SOS1 is on the minus strand). VCF-style: chr2-38985879-T-G. GRCh37 (hg19) VCF-style: chr2-39213020-T-G.
Other names: c.3926A>C, p.His1309Pro (NM_001382394.1); c.3902A>C, p.His1301Pro (NM_001382395.1); short protein forms H1309P, H1301P, H1316P.
Identifiers: ClinVar variation 1997177 (VCV001997177.4), dbSNP rs2528869084, ClinGen allele CA346361981.
Genomic context (GRCh38, chr2:38,985,879, plus strand): 5'-GGAACTCAGGAAGAATGGGCATTCTCCAACAGTGGTGGTCCATCTCTGTGCATGGATGGG[T>G]GTGTGTGCTCCCTTTTGTAAGTTTTTGGAGGGAGTTTAGGGATATGTTGAGAAGTGCTTT-3'
Protein context (NP_005624.2, residues 1306-1326): PPKTYKREHT[His1316Pro]PSMHRDGPPL